The following is an entry in ClinVar:

NM_003718.5(CDK13):c.1207C>T (p.Leu403Phe)

Gene: CDK13 (cyclin dependent kinase 13; plus strand). Cytogenetic location: 7p14.1.
Variant type: single nucleotide variant.
Coding change: c.1207C>T on transcript NM_003718.5 (MANE Select); coding-DNA position 1207, C replaced by T.
Protein change: p.Leu403Phe; replaces leucine 403 with phenylalanine.
Molecular consequence: missense variant.
Genome position (GRCh38, 1-based): chr7:39,951,848, C>T. VCF-style: chr7-39951848-C-T. GRCh37 (hg19) VCF-style: chr7-39991447-C-T.
Other names: c.1207C>T, p.Leu403Phe (NM_031267.4); short protein forms L403F.
Identifiers: ClinVar variation 720798 (VCV000720798.13), dbSNP rs3735137, ClinGen allele CA4228428.

ClinVar aggregate classification (germline): Benign/Likely benign. Review status: criteria provided, multiple submitters, no conflicts (2 of 4 stars). 3 submissions from 3 submitters: Benign (1); Likely benign (1). 1 of the submissions does not count toward it. Last evaluated 2026-01-24.

Conditions:
CDK13-related disorder. Also called: CDK13-related condition. Identifiers: MedGen C5816700.
Congenital heart defects, dysmorphic facial features, and intellectual developmental disorder (CHDFIDD). Identifiers: Orphanet 646278, MedGen C4479246, MONDO:0044302, OMIM 617360.

Allele frequency attached by ClinVar (database versions not stated): gnomAD 0.00192 and 0.00138; TOPMed 0.00288; 1000 Genomes Project 30x 0.01031; gnomAD exomes 0.00398; 1000 Genomes Project 0.01058; ExAC 0.00400.

Submissions (3):

Labcorp Genetics (formerly Invitae), Labcorp
Classification: Benign. Last evaluated: 2026-01-24. Review status: criteria provided, single submitter. Criteria: Invitae Variant Classification Sherloc (09022015). Collection method: clinical testing. Allele origin: germline.

Fulgent Genetics
Classification: Likely benign for Congenital heart defects, dysmorphic facial features, and intellectual developmental disorder. Last evaluated: 2021-08-05. Review status: criteria provided, single submitter. Criteria: ACMG Guidelines, 2015. Collection method: clinical testing. Allele origin: unknown.

PreventionGenetics, part of Exact Sciences
Classification: Benign for CDK13-related condition. Last evaluated: 2019-10-22. Review status: no assertion criteria provided. Collection method: clinical testing. Allele origin: germline. Not counted in ClinVar's aggregate classification.
Comment: This variant is classified as benign based on ACMG/AMP sequence variant interpretation guidelines (Richards et al. 2015 PMID: 25741868, with internal and published modifications).